The following is an entry in ClinVar:

NM_001042492.3(NF1):c.5183C>T (p.Ala1728Val)

Gene: NF1 (neurofibromin 1; plus strand). Cytogenetic location: 17q11.2.
Variant type: single nucleotide variant.
Coding change: c.5183C>T on transcript NM_001042492.3 (MANE Select); coding-DNA position 5183, C replaced by T.
Protein change: p.Ala1728Val; replaces alanine 1728 with valine.
Molecular consequence: missense variant.
Genome position (GRCh38, 1-based): chr17:31,326,167, C>T. VCF-style: chr17-31326167-C-T. GRCh37 (hg19) VCF-style: chr17-29653185-C-T.
Other names: c.5120C>T, p.Ala1707Val (NM_000267.4); short protein forms A1707V, A1728V.
Identifiers: ClinVar variation 457743 (VCV000457743.12), dbSNP rs1555533395, ClinGen allele CA399007981.

ClinVar aggregate classification (germline): Conflicting classifications of pathogenicity. Review status: criteria provided, conflicting classifications (1 of 4 stars). 2 submissions from 2 submitters: Uncertain significance (1); Likely benign (1). Last evaluated 2025-02-17.

Conditions:
Neurofibromatosis, type 1 (NF1). Also called: VON RECKLINGHAUSEN DISEASE; NEUROFIBROMATOSIS, TYPE I, SOMATIC; Peripheral type neurofibromatosis; Neurofibromatosis, type I. Identifiers: Orphanet 636, MedGen C0027831, MONDO:0018975, OMIM 162200. Disease mechanism: loss of function.
Cardiovascular phenotype. Identifiers: MedGen CN230736.
Hereditary cancer-predisposing syndrome. Also called: Hereditary Cancer Syndrome; Hereditary neoplastic syndrome; Tumor predisposition; Neoplastic Syndromes, Hereditary. Identifiers: Orphanet 140162, MedGen C0027672, MeSH D009386, MONDO:0015356.

Allele frequency attached by ClinVar (database versions not stated): TOPMed below 0.00001; gnomAD 0.00001; gnomAD exomes 0.00003.
gnomAD v4.1: 23 of 1,613,002 alleles (0.0014%); highest among the groups gnomAD compares: Non-Finnish European, 0.0019%; no homozygotes.

Submissions (2):

Labcorp Genetics (formerly Invitae), Labcorp
Classification: Likely benign for Neurofibromatosis, type 1. Last evaluated: 2025-02-17. Review status: criteria provided, single submitter. Criteria: Invitae Variant Classification Sherloc (09022015). Collection method: clinical testing. Allele origin: germline.

Ambry Genetics
Classification: Uncertain significance for Cardiovascular phenotype; Hereditary cancer-predisposing syndrome. Last evaluated: 2024-06-28. Review status: criteria provided, single submitter. Criteria: Ambry Variant Classification Scheme 2023. Collection method: clinical testing. Allele origin: germline.
Comment: The p.A1707V variant (also known as c.5120C>T), located in coding exon 36 of the NF1 gene, results from a C to T substitution at nucleotide position 5120. The alanine at codon 1707 is replaced by valine, an amino acid with similar properties. This amino acid position is highly conserved in available vertebrate species. In addition, this alteration is predicted to be tolerated by in silico analysis. Based on the available evidence, the clinical significance of this variant remains unclear.